The following is an entry in ClinVar:

ClinVar aggregate classification (germline): Uncertain significance. Review status: criteria provided, multiple submitters, no conflicts (2 of 4 stars). 2 submissions from 2 submitters: Uncertain significance (2). Last evaluated 2025-01-10.

Conditions:
Nemaline myopathy 8 (NEM8). Also called: Nemaline myopathy 8, autosomal recessive. Identifiers: Orphanet 171430, MedGen C3809209, MONDO:0014138, OMIM 615348.
Inborn genetic diseases. Identifiers: MedGen C0950123, MeSH D030342.

Allele frequency attached by ClinVar (database versions not stated): gnomAD 0.00003.
gnomAD v4.1: 14 of 1,613,748 alleles (0.00087%); highest among the groups gnomAD compares: Non-Finnish European, 0.0012%; no homozygotes.

Submissions (2):

Ambry Genetics
Classification: Uncertain significance for Inborn genetic diseases. Last evaluated: 2025-01-10. Review status: criteria provided, single submitter. Criteria: Ambry Variant Classification Scheme 2023. Collection method: clinical testing. Allele origin: germline.

Labcorp Genetics (formerly Invitae), Labcorp
Classification: Uncertain significance for Nemaline myopathy 8. Last evaluated: 2022-03-15. Review status: criteria provided, single submitter. Criteria: Invitae Variant Classification Sherloc (09022015). Collection method: clinical testing. Allele origin: germline.
Comment: This sequence change replaces glutamic acid, which is acidic and polar, with glutamine, which is neutral and polar, at codon 599 of the KLHL40 protein (p.Glu599Gln). This variant is present in population databases (rs764539039, gnomAD 0.003%). This variant has not been reported in the literature in individuals affected with KLHL40-related conditions. Algorithms developed to predict the effect of missense changes on protein structure and function are either unavailable or do not agree on the potential impact of this missense change (SIFT: "Deleterious"; PolyPhen-2: "Probably Damaging"; Align-GVGD: "Class C0"). In summary, the available evidence is currently insufficient to determine the role of this variant in disease. Therefore, it has been classified as a Variant of Uncertain Significance.

NM_152393.4(KLHL40):c.1795G>C (p.Glu599Gln)

Gene: KLHL40 (kelch like family member 40; plus strand). Cytogenetic location: 3p22.1.
Variant type: single nucleotide variant.
Coding change: c.1795G>C on transcript NM_152393.4 (MANE Select); coding-DNA position 1795, G replaced by C.
Protein change: p.Glu599Gln; replaces glutamic acid 599 with glutamine.
Molecular consequence: missense variant.
Genome position (GRCh38, 1-based): chr3:42,691,922, G>C. VCF-style: chr3-42691922-G-C. GRCh37 (hg19) VCF-style: chr3-42733414-G-C.
Other names: c.1795G>C (NM_152393.2); short protein forms E599Q.
Identifiers: ClinVar variation 1346876 (VCV001346876.6), dbSNP rs764539039, ClinGen allele CA2337098.